The following is an entry in ClinVar:

NM_198253.3(TERT):c.815T>C (p.Val272Ala)

Gene: TERT (telomerase reverse transcriptase; minus strand). Cytogenetic location: 5p15.33.
Variant type: single nucleotide variant.
Coding change: c.815T>C on transcript NM_198253.3 (MANE Select); coding-DNA position 815, T replaced by C.
Protein change: p.Val272Ala; replaces valine 272 with alanine.
Molecular consequence: missense variant. On other transcripts: non-coding transcript variant (2).
Genome position (GRCh38, 1-based): chr5:1,294,071, A>G on the plus strand (T>C on the coding strand, the complement: TERT is on the minus strand). VCF-style: chr5-1294071-A-G. GRCh37 (hg19) VCF-style: chr5-1294186-A-G.
Other names: c.815T>C, p.Val272Ala (NM_001193376.3, NM_003219.1); short protein forms V272A.
Identifiers: ClinVar variation 2048004 (VCV002048004.4), dbSNP rs753076785, ClinGen allele CA112915011.

ClinVar aggregate classification (germline): Uncertain significance (1 of 4 stars; one submission).

Conditions:
Dyskeratosis congenita, autosomal dominant 2. Identifiers: MedGen C3151443, MONDO:0013521, OMIM 613989.
Idiopathic Pulmonary Fibrosis. Also called: Idiopathic fibrosing alveolitis, chronic form; idiopathic fibrosing alveolitis. Identifiers: Orphanet 2032, MedGen C1800706, MeSH D054990, MONDO:0800504.

Submission:

Labcorp Genetics (formerly Invitae), Labcorp
Classification: Uncertain significance for Dyskeratosis congenita, autosomal dominant 2; Idiopathic Pulmonary Fibrosis. Last evaluated: 2022-01-04. Review status: criteria provided, single submitter. Criteria: Invitae Variant Classification Sherloc (09022015). Collection method: clinical testing. Allele origin: germline.
Comment: This variant is not present in population databases (gnomAD no frequency). This sequence change replaces valine, which is neutral and non-polar, with alanine, which is neutral and non-polar, at codon 272 of the TERT protein (p.Val272Ala). Advanced modeling of protein sequence and biophysical properties (such as structural, functional, and spatial information, amino acid conservation, physicochemical variation, residue mobility, and thermodynamic stability) performed at Invitae indicates that this missense variant is not expected to disrupt TERT protein function. In summary, the available evidence is currently insufficient to determine the role of this variant in disease. Therefore, it has been classified as a Variant of Uncertain Significance. This variant has not been reported in the literature in individuals affected with TERT-related conditions.